The following is an entry in ClinVar:

ClinVar aggregate classification (germline): Uncertain significance. Review status: criteria provided, multiple submitters, no conflicts (2 of 4 stars). 4 submissions from 4 submitters: Uncertain significance (4). Last evaluated 2025-06-07.

Conditions:
Inborn genetic diseases. Identifiers: MedGen C0950123, MeSH D030342.

Allele frequency attached by ClinVar (database versions not stated): 1000 Genomes Project 0.00020; TOPMed 0.00011.
gnomAD v4.1: 47 of 1,103,326 alleles (0.0043%); highest among the groups gnomAD compares: Admixed American, 0.081%; no homozygotes.

Submissions (4):

Ambry Genetics
Classification: Uncertain significance for Inborn genetic diseases. Last evaluated: 2025-06-07. Review status: criteria provided, single submitter. Criteria: Ambry Variant Classification Scheme 2023. Collection method: clinical testing. Allele origin: germline.

Mayo Clinic Laboratories, Mayo Clinic
Classification: Uncertain significance. Last evaluated: 2025-03-20. Review status: criteria provided, single submitter. Criteria: ACMG Guidelines, 2015. Collection method: clinical testing. Allele origin: germline. Observed: 2 variant alleles.
Comment: PM2_moderate

Revvity Omics, Revvity
Classification: Uncertain significance. Last evaluated: 2024-11-21. Review status: criteria provided, single submitter. Criteria: ACMG Guidelines, 2015. Collection method: clinical testing. Allele origin: germline.

Breakthrough Genomics
Classification: Uncertain significance. Review status: criteria provided, single submitter. Criteria: ACMG Guidelines, 2015. Collection method: not provided. Allele origin: germline. Inheritance: Autosomal recessive inheritance. Affected: yes.

NM_001142864.4(PIEZO1):c.3001C>G (p.Leu1001Val)

Genes: HSALR1 (HSP90AB1 associated lncRNA 1; plus strand), PIEZO1 (piezo type mechanosensitive ion channel component 1 (Er blood group); minus strand). Cytogenetic location: 16q24.3.
Variant type: single nucleotide variant.
Coding change: c.3001C>G on transcript NM_001142864.4 (MANE Select); coding-DNA position 3001, C replaced by G.
Protein change: p.Leu1001Val; replaces leucine 1001 with valine.
Molecular consequence: missense variant.
Genome position (GRCh38, 1-based): chr16:88,731,901, G>C on the plus strand (C>G on the coding strand, the complement: PIEZO1 is on the minus strand). VCF-style: chr16-88731901-G-C. GRCh37 (hg19) VCF-style: chr16-88798309-G-C.
Other names: p.Leu1001Val; c.3001C>G (NM_001142864.2); c.1543C>G, p.Leu515Val (NM_014745.1); short protein forms L1001V, L515V.
Identifiers: ClinVar variation 2434765 (VCV002434765.7), dbSNP rs550074132, ClinGen allele CA286419611.